The following is an entry in ClinVar:

ClinVar aggregate classification (germline): Uncertain significance. Review status: criteria provided, multiple submitters, no conflicts (2 of 4 stars). 2 submissions from 2 submitters: Uncertain significance (2). Last evaluated 2025-09-22.

Conditions:
Bloom syndrome (BLM). Also called: Bloom-Torre-Machacek syndrome. Identifiers: Orphanet 125, MedGen C0005859, MONDO:0008876, OMIM 210900.

Submissions (2):

Labcorp Genetics (formerly Invitae), Labcorp
Classification: Uncertain significance for Bloom syndrome. Last evaluated: 2025-09-22. Review status: criteria provided, single submitter. Criteria: Invitae Variant Classification Sherloc (09022015). Collection method: clinical testing. Allele origin: germline.
Comment: This sequence change replaces arginine, which is basic and polar, with leucine, which is neutral and non-polar, at codon 643 of the BLM protein (p.Arg643Leu). This variant is not present in population databases (gnomAD no frequency). This variant has not been reported in the literature in individuals affected with BLM-related conditions. ClinVar contains an entry for this variant (Variation ID: 1926758). Invitae Evidence Modeling of protein sequence and biophysical properties (such as structural, functional, and spatial information, amino acid conservation, physicochemical variation, residue mobility, and thermodynamic stability) has been performed for this missense variant. However, the output from this modeling did not meet the statistical confidence thresholds required to predict the impact of this variant on BLM protein function. In summary, the available evidence is currently insufficient to determine the role of this variant in disease. Therefore, it has been classified as a Variant of Uncertain Significance.

Quest Diagnostics Nichols Institute San Juan Capistrano
Classification: Uncertain significance. Last evaluated: 2024-08-09. Review status: criteria provided, single submitter. Criteria: Quest Diagnostics criteria. Collection method: clinical testing. Allele origin: unknown.
Comment: The BLM c.1928G>T (p.Arg643Leu) variant has not been reported in individuals with BLM-related conditions in the published literature. It also has not been reported in large, multi-ethnic general populations (Genome Aggregation Database). Analysis of this variant using bioinformatics tools for the prediction of the effect of amino acid changes on protein structure and function yielded predictions that this variant is benign. Based on the available information, we are unable to determine the clinical significance of this variant.

NM_000057.4(BLM):c.1928G>T (p.Arg643Leu)

Gene: BLM (BLM RecQ like helicase; plus strand). Cytogenetic location: 15q26.1.
Variant type: single nucleotide variant.
Coding change: c.1928G>T on transcript NM_000057.4 (MANE Select); coding-DNA position 1928, G replaced by T.
Protein change: p.Arg643Leu; replaces arginine 643 with leucine.
Molecular consequence: missense variant.
Genome position (GRCh38, 1-based): chr15:90,763,011, G>T. VCF-style: chr15-90763011-G-T. GRCh37 (hg19) VCF-style: chr15-91306241-G-T.
Other names: c.1928G>T, p.Arg643Leu (NM_001287246.2, NM_001287247.2); c.803G>T, p.Arg268Leu (NM_001287248.2); c.1928G>T (NM_000057.3); short protein forms R643L, R268L.
Identifiers: ClinVar variation 1926758 (VCV001926758.6), dbSNP rs12720097, ClinGen allele CA393844161.
Genomic context (GRCh38, chr15:90,763,011, plus strand): 5'-TGATTATTTTCCTAGACAAGTCAGCACAAAATTTAGCATCCAGAAATCTGAAACATGAGC[G>T]TTTCCAAAGTCTTAGTTTTCCTCATACAAAGGAAATGATGAAGATTTTTCATAAAAAATT-3'
Protein context (NP_000048.1, residues 633-653): NLASRNLKHE[Arg643Leu]FQSLSFPHTK